The following is an entry in ClinVar:

NM_014905.5(GLS):c.1645C>T (p.Gln549Ter)

Gene: GLS (glutaminase; plus strand). Cytogenetic location: 2q32.2.
Variant type: single nucleotide variant.
Coding change: c.1645C>T on transcript NM_014905.5 (MANE Select); coding-DNA position 1645, C replaced by T.
Protein change: p.Gln549Ter; replaces glutamine 549 with a stop codon.
Molecular consequence: nonsense.
Genome position (GRCh38, 1-based): chr2:190,931,632, C>T. VCF-style: chr2-190931632-C-T. GRCh37 (hg19) VCF-style: chr2-191796358-C-T.
Other names: c.1645C>T, p.Gln549Ter (NM_001256310.2, NM_001437282.1, NM_001437283.1); short protein forms Q549*.
Identifiers: ClinVar variation 4852193 (VCV004852193.1).

ClinVar aggregate classification (germline): Pathogenic (1 of 4 stars; one submission).

Conditions:
Autosomal recessive GLS-related disorders.

Submission:

Variantyx, Inc.
Classification: Pathogenic for Autosomal recessive GLS-related disorders. Last evaluated: 2025-10-04. Review status: criteria provided, single submitter. Criteria: Variantyx Assertion Criteria 2022. Collection method: clinical testing. Allele origin: de novo. Inheritance: Autosomal recessive inheritance. Affected: no.
Comment: This is a nonsense variant in the GLS gene (OMIM: 138280). Pathogenic variants in this gene have been associated with autosomal recessive GLS-related disorders. The alteration introduces a premature termination codon in exon 14 out of 18 and is expected to result in loss of function, which is a known disease mechanism for GLS in these disorders (PMID: 30575854) (PVS1). It is absent from control populations (PM2). Based on the current evidence, this variant is classified as pathogenic for autosomal recessive GLS-related disorders.

Literature cited by the submitters: PubMed 30575854.